The following is an entry in ClinVar:

NM_144701.3(IL23R):c.1304C>A (p.Thr435Lys)

Gene: IL23R (interleukin 23 receptor; plus strand). Cytogenetic location: 1p31.3.
Variant type: single nucleotide variant.
Coding change: c.1304C>A on transcript NM_144701.3 (MANE Select); coding-DNA position 1304, C replaced by A.
Protein change: p.Thr435Lys; replaces threonine 435 with lysine.
Molecular consequence: missense variant.
Genome position (GRCh38, 1-based): chr1:67,258,542, C>A. VCF-style: chr1-67258542-C-A. GRCh37 (hg19) VCF-style: chr1-67724225-C-A.
Other names: short protein forms T435K.
Identifiers: ClinVar variation 3649764 (VCV003649764.2).

ClinVar aggregate classification (germline): Uncertain significance (1 of 4 stars; one submission).

Submission:

Labcorp Genetics (formerly Invitae), Labcorp
Classification: Uncertain significance. Last evaluated: 2024-04-13. Review status: criteria provided, single submitter. Criteria: Invitae Variant Classification Sherloc (09022015). Collection method: clinical testing. Allele origin: germline.
Comment: This sequence change replaces threonine, which is neutral and polar, with lysine, which is basic and polar, at codon 435 of the IL23R protein (p.Thr435Lys). This variant is present in population databases (rs760637251, gnomAD 0.0009%). This variant has not been reported in the literature in individuals affected with IL23R-related conditions. An algorithm developed to predict the effect of missense changes on protein structure and function (PolyPhen-2) suggests that this variant is likely to be disruptive. In summary, the available evidence is currently insufficient to determine the role of this variant in disease. Therefore, it has been classified as a Variant of Uncertain Significance.